The following is an entry in ClinVar:

NM_002435.3(MPI):c.206del (p.Lys69fs)

Gene: MPI (mannose phosphate isomerase; plus strand). Cytogenetic location: 15q24.1.
Variant type: Deletion.
Coding change: c.206del on transcript NM_002435.3 (MANE Select); coding-DNA position 206, one base deleted (A; older notation c.206delA).
Protein change: p.Lys69fs; shifts the reading frame from lysine 69.
Molecular consequence: frameshift variant.
Genome position (GRCh38, 1-based): chr15:74,891,440, A deleted; the last of 2 consecutive A bases (chr15:74,891,439-74,891,440); deleting either gives the same sequence. VCF-style (leftmost placement, unchanged base first): chr15-74891438-GA-G. GRCh37 (hg19) VCF-style: chr15-75183779-GA-G.
Other names: c.206del, p.Lys69fs (NM_001289155.2, NM_001289157.2); c.56del, p.Lys19fs (NM_001289156.2); c.146del, p.Lys49fs (NM_001330372.2); short protein forms K19fs, K49fs, K69fs.
Identifiers: ClinVar variation 2735509 (VCV002735509.3), dbSNP rs2505813657, ClinGen allele CA2697549216.
Genomic context (GRCh38, chr15:74,891,438, plus strand): 5'-GTTGTGGATGGGGACTCACCCCCGAGGGGATGCCAAGATCCTTGACAACCGCATCTCACA[GA>G]AGACCCTAAGCCAGTGGATTGCTGAGAACCAGGACAGCTTGGGCTCAAAGGTCAAGGACA-3'

ClinVar aggregate classification (germline): Pathogenic (1 of 4 stars; one submission).

Conditions:
MPI-congenital disorder of glycosylation. Also called: CDG Ib; MANNOSEPHOSPHATE ISOMERASE DEFICIENCY; PROTEIN-LOSING ENTEROPATHY-HEPATIC FIBROSIS SYNDROME; MPI DEFICIENCY; CONGENITAL DISORDER OF GLYCOSYLATION, TYPE Ib; MPI-CDG. Identifiers: Orphanet 79319, MedGen C1865145, MONDO:0011257, OMIM 602579.

Submission:

Labcorp Genetics (formerly Invitae), Labcorp
Classification: Pathogenic for MPI-congenital disorder of glycosylation. Last evaluated: 2023-07-13. Review status: criteria provided, single submitter. Criteria: Invitae Variant Classification Sherloc (09022015). Collection method: clinical testing. Allele origin: germline.
Comment: This sequence change creates a premature translational stop signal (p.Lys69Argfs*3) in the MPI gene. It is expected to result in an absent or disrupted protein product. Loss-of-function variants in MPI are known to be pathogenic (PMID: 19862844). This variant is not present in population databases (gnomAD no frequency). This variant has not been reported in the literature in individuals affected with MPI-related conditions. Algorithms developed to predict the effect of sequence changes on RNA splicing suggest that this variant may create or strengthen a splice site. For these reasons, this variant has been classified as Pathogenic.

Literature cited by the submitters: PubMed 19862844.